The following is an entry in ClinVar:

ClinVar aggregate classification (germline): Uncertain significance (1 of 4 stars; one submission).

Allele frequency attached by ClinVar (database versions not stated): ExAC 0.00002; ESP Exome Variant Server 0.00008.

Submission:

Labcorp Genetics (formerly Invitae), Labcorp
Classification: Uncertain significance. Last evaluated: 2024-01-21. Review status: criteria provided, single submitter. Criteria: Invitae Variant Classification Sherloc (09022015). Collection method: clinical testing. Allele origin: germline.
Comment: This sequence change replaces proline, which is neutral and non-polar, with alanine, which is neutral and non-polar, at codon 463 of the AUTS2 protein (p.Pro463Ala). This variant is present in population databases (rs375248939, gnomAD 0.01%). This variant has not been reported in the literature in individuals affected with AUTS2-related conditions. Advanced modeling of protein sequence and biophysical properties (such as structural, functional, and spatial information, amino acid conservation, physicochemical variation, residue mobility, and thermodynamic stability) performed at Invitae indicates that this missense variant is not expected to disrupt AUTS2 protein function with a negative predictive value of 80%. In summary, the available evidence is currently insufficient to determine the role of this variant in disease. Therefore, it has been classified as a Variant of Uncertain Significance.

NM_015570.4(AUTS2):c.1387C>G (p.Pro463Ala)

Gene: AUTS2 (activator of transcription and developmental regulator AUTS2; plus strand). Cytogenetic location: 7q11.22.
Variant type: single nucleotide variant.
Coding change: c.1387C>G on transcript NM_015570.4 (MANE Select); coding-DNA position 1387, C replaced by G.
Protein change: p.Pro463Ala; replaces proline 463 with alanine.
Molecular consequence: missense variant.
Genome position (GRCh38, 1-based): chr7:70,764,924, C>G. VCF-style: chr7-70764924-C-G. GRCh37 (hg19) VCF-style: chr7-70229910-C-G.
Other names: c.1387C>G, p.Pro463Ala (NM_001127231.3); short protein forms P463A.
Identifiers: ClinVar variation 2710618 (VCV002710618.3), dbSNP rs375248939, ClinGen allele CA4280633.